The following is an entry in ClinVar:

NM_181332.3(NLGN4X):c.2049G>A (p.Ala683=)

Gene: NLGN4X (neuroligin 4 X-linked; minus strand). Cytogenetic location: Xp22.32.
Variant type: single nucleotide variant.
Coding change: c.2049G>A on transcript NM_181332.3 (MANE Select); coding-DNA position 2049, G replaced by A.
Protein change: p.Ala683=; no amino-acid change (alanine 683 retained).
Molecular consequence: synonymous variant.
Genome position (GRCh38, 1-based): chrX:5,893,219, C>T on the plus strand (G>A on the coding strand, the complement: NLGN4X is on the minus strand). VCF-style: chrX-5893219-C-T. GRCh37 (hg19) VCF-style: chrX-5811260-C-T.
Other names: c.2049G>A, p.Ala683= (NM_001282145.2, NM_001282146.2, NM_020742.4).
Identifiers: ClinVar variation 721435 (VCV000721435.7), dbSNP rs772348674, ClinGen allele CA10340938.

ClinVar aggregate classification (germline): Benign. Review status: criteria provided, multiple submitters, no conflicts (2 of 4 stars). 3 submissions from 3 submitters: Benign (2). 1 of the submissions does not count toward it. Last evaluated 2018-05-31.

Conditions:
NLGN4X-related disorder. Also called: NLGN4X-related condition.
Inborn genetic diseases. Identifiers: MedGen C0950123, MeSH D030342.

Allele frequency attached by ClinVar (database versions not stated): gnomAD exomes 0.00018 and 0.00044; gnomAD 0.00013 and 0.00014; ExAC 0.00042; 1000 Genomes Project 0.00053; TOPMed 0.00016.
gnomAD v4.1: 213 of 1,209,192 alleles (0.018%); highest among the groups gnomAD compares: South Asian, 0.18%; no homozygotes.

Submissions (3):

Labcorp Genetics (formerly Invitae), Labcorp
Classification: Benign. Last evaluated: 2018-05-31. Review status: criteria provided, single submitter. Criteria: Invitae Variant Classification Sherloc (09022015). Collection method: clinical testing. Allele origin: germline.

Ambry Genetics
Classification: Benign for Inborn genetic diseases. Last evaluated: 2017-09-05. Review status: criteria provided, single submitter. Criteria: Ambry Variant Classification Scheme 2023. Collection method: clinical testing. Allele origin: germline.

PreventionGenetics, part of Exact Sciences
Classification: Likely benign for NLGN4X-related condition. Last evaluated: 2021-05-09. Review status: no assertion criteria provided. Collection method: clinical testing. Allele origin: germline. Not counted in ClinVar's aggregate classification.
Comment: This variant is classified as likely benign based on ACMG/AMP sequence variant interpretation guidelines (Richards et al. 2015 PMID: 25741868, with internal and published modifications).